The following is an entry in ClinVar:

NM_007194.4(CHEK2):c.84C>A (p.Ser28=)

Gene: CHEK2 (checkpoint kinase 2; minus strand). Cytogenetic location: 22q12.1.
Variant type: single nucleotide variant.
Coding change: c.84C>A on transcript NM_007194.4 (MANE Select); coding-DNA position 84, C replaced by A.
Protein change: p.Ser28=; no amino-acid change (serine 28 retained).
Molecular consequence: synonymous variant.
Genome position (GRCh38, 1-based): chr22:28,734,638, G>T on the plus strand (C>A on the coding strand, the complement: CHEK2 is on the minus strand). VCF-style: chr22-28734638-G-T. GRCh37 (hg19) VCF-style: chr22-29130626-G-T.
Other names: c.84C>A, p.Ser28= (NM_001005735.3, NM_001349956.3, NM_145862.3); c.-694C>A (NM_001257387.3).
Identifiers: ClinVar variation 215866 (VCV000215866.19), dbSNP rs863224415, ClinGen allele CA336413.
Genomic context (GRCh38, chr22:28,734,638, plus strand): 5'-GTTTGGCATCGTGCTGGTAGAGGAGCTGGATATGCCCTGGGACTGTGAGGAGGAGCCTTG[G>T]GACTGGGTAACGCTGCCATGGGGCTGTGAACAGGCACTGCTGCCATGAGACTGCTGAGCC-3'
Protein context (NP_009125.1, residues 18-38): CSQPHGSVTQ[Ser28=]QGSSSQSQGI

ClinVar aggregate classification (germline): Benign/Likely benign. Review status: criteria provided, multiple submitters, no conflicts (2 of 4 stars). 4 submissions from 4 submitters: Benign (1); Likely benign (2). 1 of the submissions does not count toward it. Last evaluated 2023-03-08.

Conditions:
Hereditary cancer-predisposing syndrome. Also called: Hereditary neoplastic syndrome; Neoplastic Syndromes, Hereditary; Tumor predisposition; Hereditary Cancer Syndrome. Identifiers: Orphanet 140162, MedGen C0027672, MeSH D009386, MONDO:0015356.
Familial cancer of breast. Also called: BREAST CANCER, FAMILIAL; Hereditary breast cancer; hereditary breast carcinoma. Identifiers: Orphanet 227535, MedGen C0346153, MONDO:0016419, OMIM 114480. Disease mechanism: loss of function.

Submissions (4):

Myriad Genetics, Inc.
Classification: Benign for Familial cancer of breast. Last evaluated: 2023-03-08. Review status: criteria provided, single submitter. Criteria: Myriad Autosomal Dominant, Autosomal Recessive and X-Linked Classification Criteria (2023). Collection method: clinical testing. Allele origin: unknown.
Comment: This variant is considered benign. This variant is a silent/synonymous amino acid change and it is not expected to impact splicing.

Labcorp Genetics (formerly Invitae), Labcorp
Classification: Likely benign for Familial cancer of breast. Last evaluated: 2015-10-30. Review status: criteria provided, single submitter. Criteria: Invitae Variant Classification Sherloc (09022015). Collection method: clinical testing. Allele origin: germline.

Ambry Genetics
Classification: Likely benign for Hereditary cancer-predisposing syndrome. Last evaluated: 2015-09-18. Review status: criteria provided, single submitter. Criteria: Ambry Variant Classification Scheme 2023. Collection method: clinical testing. Allele origin: germline.

Counsyl
Classification: Likely benign for Familial cancer of breast. Last evaluated: 2016-09-30. Review status: no assertion criteria provided. Collection method: clinical testing. Allele origin: unknown. Not counted in ClinVar's aggregate classification.